The following is an entry in ClinVar:

NM_000256.3(MYBPC3):c.2905+19A>G

Gene: MYBPC3 (myosin binding protein C3; minus strand). Cytogenetic location: 11p11.2.
Variant type: single nucleotide variant.
Coding change: c.2905+19A>G on transcript NM_000256.3 (MANE Select); 19 bases into the intron after coding-DNA position 2905, A replaced by G.
Molecular consequence: intron variant.
Genome position (GRCh38, 1-based): chr11:47,335,023, T>C on the plus strand (A>G on the coding strand, the complement: MYBPC3 is on the minus strand). VCF-style: chr11-47335023-T-C. GRCh37 (hg19) VCF-style: chr11-47356574-T-C.
Identifiers: ClinVar variation 3769001 (VCV003769001.2).
Genomic context (GRCh38, chr11:47,335,023, plus strand): 5'-AACTGTCCCCACCTCCACTGGACACCAAGGGCCTGGGGTGTCAATGGCGGGTCTTGTGAC[T>C]GCACAAAGGGGCACTCACGCAGGATCTCCTGCACTGTCACCGGCTCCGTGGTGGTAACAG-3'

ClinVar aggregate classification (germline): Likely benign. Review status: criteria provided, multiple submitters, no conflicts (2 of 4 stars). 2 submissions from 2 submitters: Likely benign (2). Last evaluated 2025-07-14.

Conditions:
Hypertrophic cardiomyopathy. Also called: HYPERTROPHIC MYOCARDIOPATHY. Identifiers: Orphanet 217569, MedGen C0007194, MeSH D002312, MONDO:0005045, HP:0001639.

gnomAD v4.1: 8 of 1,485,370 alleles (0.00054%); highest among the groups gnomAD compares: African/African-American, 0.0014%; no homozygotes.

Submissions (2):

Labcorp Genetics (formerly Invitae), Labcorp
Classification: Likely benign for Hypertrophic cardiomyopathy. Last evaluated: 2025-07-14. Review status: criteria provided, single submitter. Criteria: Invitae Variant Classification Sherloc (09022015). Collection method: clinical testing. Allele origin: germline.

Women's Health and Genetics/Laboratory Corporation of America, LabCorp
Classification: Likely benign. Last evaluated: 2025-02-18. Review status: criteria provided, single submitter. Criteria: LabCorp Variant Classification Summary - May 2015. Collection method: clinical testing. Allele origin: germline.
Comment: Variant summary: MYBPC3 c.2905+19A>G alters a non-conserved nucleotide located at a position not widely known to affect splicing. Consensus agreement among computation tools predict no significant impact on normal splicing. However, these predictions have yet to be confirmed by functional studies. The variant allele was found at a frequency of 6.2e-06 in 161082 control chromosomes. The available data on variant occurrences in the general population are insufficient to allow any conclusion about variant significance. To our knowledge, no occurrence of c.2905+19A>G in individuals affected with Hypertrophic Cardiomyopathy and no experimental evidence demonstrating its impact on protein function have been reported. No submitters have cited clinical-significance assessments for this variant to ClinVar. Based on the evidence outlined above, the variant was classified as likely benign.